The following is an entry in ClinVar:

NM_001079802.2(FKTN):c.*1229A>G

Gene: FKTN (fukutin; plus strand). Cytogenetic location: 9q31.2.
Variant type: single nucleotide variant.
Coding change: c.*1229A>G on transcript NM_001079802.2 (MANE Select); 1229 bases downstream of the stop codon, A replaced by G.
Molecular consequence: 3 prime UTR variant. On other transcripts: non-coding transcript variant (2), intron variant (1).
Genome position (GRCh38, 1-based): chr9:105,636,493, A>G. VCF-style: chr9-105636493-A-G. GRCh37 (hg19) VCF-style: chr9-108398774-A-G.
Other names: c.*1229A>G (NM_001351496.2, NM_001351497.2, NM_001351499.2 and 4 more transcripts); c.*1407A>G (NM_001351498.2); c.1270+1345A>G (NM_001198963.2).
Identifiers: ClinVar variation 914042 (VCV000914042.4), dbSNP rs116549376, ClinGen allele CA197462705.
Genomic context (GRCh38, chr9:105,636,493, plus strand): 5'-TGTGTCCCTCCCCAGTTTTTCAGTCTGTTGAATGTCGATGGGGCAAGAACTCAGACTTCT[A>G]CTTTACCAAGTACCACACACTCTGGAATGCTTTAGTTTCCTTTTCCCCTCAAGATGTCTG-3'

ClinVar aggregate classification (germline): Conflicting classifications of pathogenicity. Review status: criteria provided, conflicting classifications (1 of 4 stars). 2 submissions from 1 submitter: Uncertain significance (1); Likely benign (1). Last evaluated 2018-01-13.

Conditions:
Dilated cardiomyopathy 1X (CMD1X). Also called: CARDIOMYOPATHY, DILATED, WITH MILD OR NO PROXIMAL MUSCLE WEAKNESS; FKTN-Related Dilated Cardiomyopathy. Identifiers: Orphanet 154, MedGen C1969024, MONDO:0012704, OMIM 611615.
Muscular dystrophy-dystroglycanopathy (congenital with brain and eye anomalies), type A, 4 (MDDGA4). Also called: Walker-Warburg Syndrome, Fktn-Related; Congenital muscular dystrophy-dystroglycanopathy with brain and eye anomalies, type A4; WALKER-WARBURG SYNDROME OR MUSCLE-EYE-BRAIN DISEASE, FKTN-RELATED; Muscular dystrophy, congenital progressive, with mental retardation; Muscular dystrophy, congenital, with central nervous system involvement; Cerebromuscular dystrophy, Fukuyama type. Identifiers: Orphanet 272, Orphanet 588, Orphanet 899, MedGen C0410174, MONDO:0009678, OMIM 253800.

Allele frequency attached by ClinVar (database versions not stated): gnomAD exomes 0.00052; 1000 Genomes Project 0.00599; gnomAD 0.00653 and 0.00711; 1000 Genomes Project 30x 0.00656; TOPMed 0.00733.
gnomAD v4.1: 1,441 of 1,004,228 alleles (0.14%); highest among the groups gnomAD compares: African/African-American, 2.3%; 20 homozygotes.

Submissions (2):

Illumina Laboratory Services, Illumina
Classification: Uncertain significance for Dilated cardiomyopathy 1X. Last evaluated: 2018-01-13. Review status: criteria provided, single submitter. Criteria: ICSL Variant Classification Criteria 13 December 2019. Collection method: clinical testing. Allele origin: germline.

Illumina Laboratory Services, Illumina
Classification: Likely benign for Muscular dystrophy-dystroglycanopathy (congenital with brain and eye anomalies), type A, 4. Last evaluated: 2018-01-13. Review status: criteria provided, single submitter. Criteria: ICSL Variant Classification Criteria 13 December 2019. Collection method: clinical testing. Allele origin: germline.
Comment: This variant was observed in the ICSL laboratory as part of a predisposition screen in an ostensibly healthy population. It had not been previously curated by ICSL or reported in the Human Gene Mutation Database (HGMD: prior to June 1st, 2018), and was therefore a candidate for classification through an automated scoring system. Utilizing variant allele frequency, disease prevalence and penetrance estimates, and inheritance mode, an automated score was calculated to assess if this variant is too frequent to cause the disease. Based on the score and internal cut-off values, a variant classified as likely benign is not then subjected to further curation. The score for this variant resulted in a classification of likely benign for this disease.